The following is an entry in ClinVar:

NM_005732.4(RAD50):c.3298G>A (p.Ala1100Thr)

Gene: RAD50 (RAD50 double strand break repair protein; plus strand). Cytogenetic location: 5q31.1.
Variant type: single nucleotide variant.
Coding change: c.3298G>A on transcript NM_005732.4 (MANE Select); coding-DNA position 3298, G replaced by A.
Protein change: p.Ala1100Thr; replaces alanine 1100 with threonine.
Molecular consequence: missense variant.
Genome position (GRCh38, 1-based): chr5:132,618,203, G>A. VCF-style: chr5-132618203-G-A. GRCh37 (hg19) VCF-style: chr5-131953895-G-A.
Other names: short protein forms A1100T.
Identifiers: ClinVar variation 5027744 (VCV005027744.1).

ClinVar aggregate classification (germline): Uncertain significance (1 of 4 stars; one submission).

Conditions:
Hereditary cancer-predisposing syndrome. Also called: Neoplastic Syndromes, Hereditary; Tumor predisposition; Hereditary neoplastic syndrome; Hereditary Cancer Syndrome. Identifiers: Orphanet 140162, MedGen C0027672, MeSH D009386, MONDO:0015356.

Submission:

Ambry Genetics
Classification: Uncertain significance for Hereditary cancer-predisposing syndrome. Last evaluated: 2026-09-04. Review status: criteria provided, single submitter. Criteria: Ambry Variant Classification Scheme 2023. Collection method: clinical testing. Allele origin: germline.
Comment: The p.A1100T variant (also known as c.3298G>A), located in coding exon 21 of the RAD50 gene, results from a G to A substitution at nucleotide position 3298. The alanine at codon 1100 is replaced by threonine, an amino acid with similar properties. This amino acid position is conserved. In addition, the in silico prediction for this alteration is inconclusive. Based on the available evidence, the clinical significance of this variant remains unclear.